The following is an entry in ClinVar:

ClinVar aggregate classification (germline): Uncertain significance (1 of 4 stars; one submission).

Conditions:
COL6A3-related disorder. Also called: COL6A3-related disorders; COL6A3-related condition.

gnomAD v4.1: 1 of 1,614,036 alleles (0.000062%); highest among the groups gnomAD compares: East Asian, 0.0022%; no homozygotes.

Submission:

PreventionGenetics, part of Exact Sciences
Classification: Uncertain significance for COL6A3-related condition. Last evaluated: 2025-05-05. Review status: criteria provided, single submitter. Criteria: ACMG Guidelines, 2015. Collection method: clinical testing. Allele origin: germline.
Comment: The COL6A3 c.4876G>A variant is predicted to result in the amino acid substitution p.Asp1626Asn. To our knowledge, this variant has not been reported in the literature or in a large population database (gnomAD), indicating this variant is rare. At this time, the clinical significance of this variant is uncertain due to the absence of conclusive functional and genetic evidence.

NM_004369.4(COL6A3):c.4876G>A (p.Asp1626Asn)

Gene: COL6A3 (collagen type VI alpha 3 chain; minus strand). Cytogenetic location: 2q37.3.
Variant type: single nucleotide variant.
Coding change: c.4876G>A on transcript NM_004369.4 (MANE Select); coding-DNA position 4876, G replaced by A.
Protein change: p.Asp1626Asn; replaces aspartic acid 1626 with asparagine.
Molecular consequence: missense variant.
Genome position (GRCh38, 1-based): chr2:237,368,587, C>T on the plus strand (G>A on the coding strand, the complement: COL6A3 is on the minus strand). VCF-style: chr2-237368587-C-T. GRCh37 (hg19) VCF-style: chr2-238277230-C-T.
Other names: c.3055G>A, p.Asp1019Asn (NM_057166.5); c.4258G>A, p.Asp1420Asn (NM_057167.4); short protein forms D1626N, D1420N, D1019N.
Identifiers: ClinVar variation 5001135 (VCV005001135.1).